The following is an entry in ClinVar:

ClinVar aggregate classification (germline): Uncertain significance. Review status: criteria provided, multiple submitters, no conflicts (2 of 4 stars). 2 submissions from 2 submitters: Uncertain significance (2). Last evaluated 2024-07-01.

Allele frequency attached by ClinVar (database versions not stated): ESP Exome Variant Server 0.00008.

Submissions (2):

Labcorp Genetics (formerly Invitae), Labcorp
Classification: Uncertain significance. Last evaluated: 2024-07-01. Review status: criteria provided, single submitter. Criteria: Invitae Variant Classification Sherloc (09022015). Collection method: clinical testing. Allele origin: germline.
Comment: This sequence change replaces glycine, which is neutral and non-polar, with aspartic acid, which is acidic and polar, at codon 14 of the A4GALT protein (p.Gly14Asp). This variant is present in population databases (rs367569847, gnomAD 0.01%). This variant has not been reported in the literature in individuals affected with A4GALT-related conditions. Algorithms developed to predict the effect of missense changes on protein structure and function output the following: SIFT: "Not Available"; PolyPhen-2: "Benign"; Align-GVGD: "Not Available". The aspartic acid amino acid residue is found in multiple mammalian species, which suggests that this missense change does not adversely affect protein function. In summary, the available evidence is currently insufficient to determine the role of this variant in disease. Therefore, it has been classified as a Variant of Uncertain Significance.

Ambry Genetics
Classification: Uncertain significance. Last evaluated: 2023-11-06. Review status: criteria provided, single submitter. Criteria: Ambry Variant Classification Scheme 2023. Collection method: clinical testing. Allele origin: germline.

NM_017436.7(A4GALT):c.41G>A (p.Gly14Asp)

Gene: A4GALT (alpha 1,4-galactosyltransferase (P1PK blood group); minus strand). Cytogenetic location: 22q13.2.
Variant type: single nucleotide variant.
Coding change: c.41G>A on transcript NM_017436.7 (MANE Select); coding-DNA position 41, G replaced by A.
Protein change: p.Gly14Asp; replaces glycine 14 with aspartic acid.
Molecular consequence: missense variant.
Genome position (GRCh38, 1-based): chr22:42,693,911, C>T on the plus strand (G>A on the coding strand, the complement: A4GALT is on the minus strand). VCF-style: chr22-42693911-C-T. GRCh37 (hg19) VCF-style: chr22-43089917-C-T.
Other names: c.41G>A, p.Gly14Asp (NM_001318038.3); short protein forms G14D.
Identifiers: ClinVar variation 3107435 (VCV003107435.3), dbSNP rs367569847, ClinGen allele CA10270401.